The following is an entry in ClinVar:

NM_001909.5(CTSD):c.928G>A (p.Glu310Lys)

Gene: CTSD (cathepsin D; minus strand). Cytogenetic location: 11p15.5.
Variant type: single nucleotide variant.
Coding change: c.928G>A on transcript NM_001909.5 (MANE Select); coding-DNA position 928, G replaced by A.
Protein change: p.Glu310Lys; replaces glutamic acid 310 with lysine.
Molecular consequence: missense variant.
Genome position (GRCh38, 1-based): chr11:1,754,038, C>T on the plus strand (G>A on the coding strand, the complement: CTSD is on the minus strand). VCF-style: chr11-1754038-C-T. GRCh37 (hg19) VCF-style: chr11-1775268-C-T.
Other names: p.E310K:GAG>AAG; short protein forms E310K.
Identifiers: ClinVar variation 205341 (VCV000205341.17), dbSNP rs373699222, ClinGen allele CA314324.
Genomic context (GRCh38, chr11:1,754,038, plus strand): 5'-AGCCCCCGGCGCTCACCTCGCCCTGAATCAGCGGCACGGCCCCGATGGCCTTCTGCAGCT[C>T]GCGCACCTCATCCACCGGGCCCACCATGAGGGAAGTGCCTGTGTCCACAATGGCCTCACA-3'
Protein context (NP_001900.1, residues 300-320): LMVGPVDEVR[Glu310Lys]LQKAIGAVPL

ClinVar aggregate classification (germline): Uncertain significance. Review status: criteria provided, multiple submitters, no conflicts (2 of 4 stars). 4 submissions from 4 submitters: Uncertain significance (4). Last evaluated 2025-12-21.

Conditions:
Neuronal ceroid lipofuscinosis. Also called: Neuronal Ceroid Lipofuscinoses. Identifiers: Orphanet 216, Orphanet 79263, MedGen C0027877, MONDO:0016295. Disease mechanism: loss of function.
Neuronal ceroid lipofuscinosis 10 (CLN10). Also called: CTSD-Related Neuronal Ceroid-Lipofuscinosis; NEURONAL CEROID LIPOFUSCINOSIS DUE TO CATHEPSIN D DEFICIENCY. Identifiers: Orphanet 228337, MedGen C1864669, MONDO:0012414, OMIM 610127.

Allele frequency attached by ClinVar (database versions not stated): gnomAD below 0.00001 and 0.00001; ExAC 0.00001; TOPMed 0.00001; ESP Exome Variant Server 0.00008.

Submissions (4):

Labcorp Genetics (formerly Invitae), Labcorp
Classification: Uncertain significance for Neuronal ceroid lipofuscinosis. Last evaluated: 2025-12-21. Review status: criteria provided, single submitter. Criteria: Invitae Variant Classification Sherloc (09022015). Collection method: clinical testing. Allele origin: germline.
Comment: This sequence change replaces glutamic acid, which is acidic and polar, with lysine, which is basic and polar, at codon 310 of the CTSD protein (p.Glu310Lys). This variant is present in population databases (rs373699222, gnomAD 0.003%). This variant has not been reported in the literature in individuals affected with CTSD-related conditions. ClinVar contains an entry for this variant (Variation ID: 205341). Invitae Evidence Modeling of protein sequence and biophysical properties (such as structural, functional, and spatial information, amino acid conservation, physicochemical variation, residue mobility, and thermodynamic stability) indicates that this missense variant is not expected to disrupt CTSD protein function with a negative predictive value of 80%. In summary, the available evidence is currently insufficient to determine the role of this variant in disease. Therefore, it has been classified as a Variant of Uncertain Significance.

Revvity Omics, Revvity
Classification: Uncertain significance for Neuronal ceroid lipofuscinosis 10. Last evaluated: 2019-12-13. Review status: criteria provided, single submitter. Criteria: ACMG Guidelines, 2015. Collection method: clinical testing. Allele origin: germline.

GeneDx
Classification: Uncertain significance. Last evaluated: 2017-09-11. Review status: criteria provided, single submitter. Criteria: GeneDx Variant Classification (06012015). Collection method: clinical testing. Allele origin: germline. Affected: yes.
Comment: p.Glu310Lys (GAG>AAG): c.928 G>A in exon 7 of the CTSD gene (NM_001909.4). A variant of unknown significance has been identified in the CTSD gene. The E310K variant has not been published as a mutation, nor has it been reported as a benign polymorphism to our knowledge. The E310K variant was not observed with any significant frequency in approximately 6,500 individuals of European and African American ancestry in the NHLBI Exome Sequencing Project. The E310K variant is a non-conservative amino acid substitution, which is likely to impact secondary protein structure as these residues differ in polarity, charge, size and/or other properties. However, this substitution occurs at a position that is not conserved across species, and in silico analysis predicts this variant likely does not alter the protein structure/function. Therefore, based on the currently available information, it is unclear whether this variant is a pathogenic mutation or a rare benign variant.The variant is found in EPILEPSY panel(s).

Illumina Laboratory Services, Illumina
Classification: Uncertain significance for Neuronal ceroid lipofuscinosis 10. Last evaluated: 2017-04-27. Review status: criteria provided, single submitter. Criteria: ICSL Variant Classification Criteria 13 December 2019. Collection method: clinical testing. Allele origin: germline.